The following is an entry in ClinVar:

ClinVar aggregate classification (germline): Likely benign (1 of 4 stars; one submission).

Submission:

CeGaT Center for Human Genetics Tuebingen
Classification: Likely benign. Last evaluated: 2026-03-01. Review status: criteria provided, single submitter. Criteria: CeGaT Center For Human Genetics Tuebingen Variant Classification Criteria Version 2. Collection method: clinical testing. Allele origin: germline. Affected: yes. Observed: 2 variant alleles.
Comment: FTSJ1: BS2

NM_012280.4(FTSJ1):c.380T>C (p.Val127Ala)

Gene: FTSJ1 (FtsJ RNA 2'-O-methyltransferase 1; plus strand). Cytogenetic location: Xp11.23.
Variant type: single nucleotide variant.
Coding change: c.380T>C on transcript NM_012280.4 (MANE Select); coding-DNA position 380, T replaced by C.
Protein change: p.Val127Ala; replaces valine 127 with alanine.
Molecular consequence: missense variant. On other transcripts: intron variant (1).
Genome position (GRCh38, 1-based): chrX:48,481,169, T>C. VCF-style: chrX-48481169-T-C. GRCh37 (hg19) VCF-style: chrX-48339557-T-C.
Other names: c.380T>C, p.Val127Ala (NM_001441195.1, NM_001441196.1, NM_001441197.1 and 4 more transcripts); c.4-120T>C (NM_001282157.2); short protein forms V127A.
Identifiers: ClinVar variation 4084718 (VCV004084718.8).